The following is an entry in ClinVar:

ClinVar aggregate classification (germline): Uncertain significance (1 of 4 stars; one submission).

Conditions:
Noonan syndrome 9 (NS9). Identifiers: Orphanet 648, MedGen C4225282, MONDO:0014691, OMIM 616559.

Allele frequency attached by ClinVar (database versions not stated): gnomAD exomes below 0.00001; ExAC 0.00001.
gnomAD v4.1: 2 of 1,613,474 alleles (0.00012%); highest among the groups gnomAD compares: South Asian, 0.0011%; no homozygotes.

Submission:

Labcorp Genetics (formerly Invitae), Labcorp
Classification: Uncertain significance for Noonan syndrome 9. Last evaluated: 2021-10-27. Review status: criteria provided, single submitter. Criteria: Invitae Variant Classification Sherloc (09022015). Collection method: clinical testing. Allele origin: germline.
Comment: In summary, the available evidence is currently insufficient to determine the role of this variant in disease. Therefore, it has been classified as a Variant of Uncertain Significance. Algorithms developed to predict the effect of missense changes on protein structure and function are either unavailable or do not agree on the potential impact of this missense change (SIFT: "Deleterious"; PolyPhen-2: "Benign"; Align-GVGD: "Class C15"). This variant has not been reported in the literature in individuals affected with SOS2-related conditions. This variant is present in population databases (rs763829729, gnomAD 0.003%). This sequence change replaces serine, a(n) neutral and polar amino acid, with leucine, a(n) neutral and non-polar amino acid, at codon 554 of the SOS2 protein (p.Ser554Leu).

NM_006939.4(SOS2):c.1661C>T (p.Ser554Leu)

Gene: SOS2 (SOS Ras/Rho guanine nucleotide exchange factor 2; minus strand). Cytogenetic location: 14q21.3.
Variant type: single nucleotide variant.
Coding change: c.1661C>T on transcript NM_006939.4 (MANE Select); coding-DNA position 1661, C replaced by T.
Protein change: p.Ser554Leu; replaces serine 554 with leucine.
Molecular consequence: missense variant.
Genome position (GRCh38, 1-based): chr14:50,159,622, G>A on the plus strand (C>T on the coding strand, the complement: SOS2 is on the minus strand). VCF-style: chr14-50159622-G-A. GRCh37 (hg19) VCF-style: chr14-50626340-G-A.
Other names: short protein forms S554L.
Identifiers: ClinVar variation 1516384 (VCV001516384.6), dbSNP rs763829729, ClinGen allele CA7177254.